The following is an entry in ClinVar:

ClinVar aggregate classification (germline): Uncertain significance (1 of 4 stars; one submission).

Submission:

GeneDx
Classification: Uncertain significance. Last evaluated: 2025-03-18. Review status: criteria provided, single submitter. Criteria: GeneDx Variant Classification Process June 2021. Collection method: clinical testing. Allele origin: germline. Affected: yes.
Comment: Not observed at significant frequency in large population cohorts (gnomAD); In silico analysis supports that this missense variant has a deleterious effect on protein structure/function; Has not been previously published as pathogenic or benign to our knowledge

NM_020706.2(SCAF4):c.2728C>G (p.Pro910Ala)

Gene: SCAF4 (SR-related CTD associated factor 4; minus strand). Cytogenetic location: 21q22.11.
Variant type: single nucleotide variant.
Coding change: c.2728C>G on transcript NM_020706.2 (MANE Select); coding-DNA position 2728, C replaced by G.
Protein change: p.Pro910Ala; replaces proline 910 with alanine.
Molecular consequence: missense variant.
Genome position (GRCh38, 1-based): chr21:31,672,115, G>C on the plus strand (C>G on the coding strand, the complement: SCAF4 is on the minus strand). VCF-style: chr21-31672115-G-C. GRCh37 (hg19) VCF-style: chr21-33044428-G-C.
Other names: c.2683C>G, p.Pro895Ala (NM_001145444.1); c.2662C>G, p.Pro888Ala (NM_001145445.1); short protein forms P888A, P895A, P910A.
Identifiers: ClinVar variation 4086671 (VCV004086671.1).